The following is an entry in ClinVar:

ClinVar aggregate classification (germline): Uncertain significance. Review status: criteria provided, multiple submitters, no conflicts (2 of 4 stars). 2 submissions from 2 submitters: Uncertain significance (2). Last evaluated 2024-01-23.

Submissions (2):

GeneDx
Classification: Uncertain significance. Last evaluated: 2024-01-23. Review status: criteria provided, single submitter. Criteria: GeneDx Variant Classification Process June 2021. Collection method: clinical testing. Allele origin: germline. Affected: yes.
Comment: Has not been previously published as pathogenic or benign to our knowledge; Not observed at significant frequency in large population cohorts (gnomAD); In silico analysis supports that this missense variant has a deleterious effect on protein structure/function

AiLife Diagnostics
Classification: Uncertain significance. Last evaluated: 2021-09-21. Review status: criteria provided, single submitter. Criteria: ACMG Guidelines, 2015. Collection method: clinical testing. Allele origin: germline. Affected: yes. Observed: 1 variant allele.

NM_004387.4(NKX2-5):c.491C>T (p.Ser164Leu)

Gene: NKX2-5 (NK2 homeobox 5; minus strand). Cytogenetic location: 5q35.1.
Variant type: single nucleotide variant.
Coding change: c.491C>T on transcript NM_004387.4 (MANE Select); coding-DNA position 491, C replaced by T.
Protein change: p.Ser164Leu; replaces serine 164 with leucine.
Molecular consequence: missense variant. On other transcripts: 3 prime UTR variant (2).
Genome position (GRCh38, 1-based): chr5:173,233,053, G>A on the plus strand (C>T on the coding strand, the complement: NKX2-5 is on the minus strand). VCF-style: chr5-173233053-G-A. GRCh37 (hg19) VCF-style: chr5-172660056-G-A.
Other names: c.*444C>T (NM_001166175.2); c.*290C>T (NM_001166176.2); c.491C>T (NM_004387.3); short protein forms S164L.
Identifiers: ClinVar variation 1677516 (VCV001677516.2), dbSNP rs1554093487, ClinGen allele CA362161753.